The following is an entry in ClinVar:

ClinVar aggregate classification (germline): Likely benign. Review status: criteria provided, single submitter (1 of 4 stars). 2 submissions from 2 submitters: Likely benign (1). 1 of the submissions does not count toward it. Last evaluated 2023-05-24.

Conditions:
PKD1-related disorder. Also called: PKD1-related condition.

Allele frequency attached by ClinVar (database versions not stated): gnomAD exomes below 0.00001; TOPMed 0.00002.
gnomAD v4.1: 5 of 1,610,536 alleles (0.00031%); highest among the groups gnomAD compares: Admixed American, 0.0033%; no homozygotes.

Submissions (2):

Blueprint Genetics
Classification: Likely benign. Last evaluated: 2023-05-24. Review status: criteria provided, single submitter. Criteria: ACMG Guidelines, 2015. Collection method: clinical testing. Allele origin: germline.

PreventionGenetics, part of Exact Sciences
Classification: Likely benign for PKD1-related condition. Last evaluated: 2019-08-22. Review status: no assertion criteria provided. Collection method: clinical testing. Allele origin: germline. Not counted in ClinVar's aggregate classification.
Comment: This variant is classified as likely benign based on ACMG/AMP sequence variant interpretation guidelines (Richards et al. 2015 PMID: 25741868, with internal and published modifications).

NM_001009944.3(PKD1):c.6726A>T (p.Thr2242=)

Gene: PKD1 (polycystin 1, transient receptor potential channel interacting; minus strand). Cytogenetic location: 16p13.3.
Variant type: single nucleotide variant.
Coding change: c.6726A>T on transcript NM_001009944.3 (MANE Select); coding-DNA position 6726, A replaced by T.
Protein change: p.Thr2242=; no amino-acid change (threonine 2242 retained).
Molecular consequence: synonymous variant.
Genome position (GRCh38, 1-based): chr16:2,108,441, T>A on the plus strand (A>T on the coding strand, the complement: PKD1 is on the minus strand). VCF-style: chr16-2108441-T-A. GRCh37 (hg19) VCF-style: chr16-2158442-T-A.
Other names: c.6726A>T, p.Thr2242= (NM_000296.4).
Identifiers: ClinVar variation 3052556 (VCV003052556.3), dbSNP rs756310748, ClinGen allele CA493047151.